The following is an entry in ClinVar:

NM_000065.5(C6):c.1595C>A (p.Pro532His)

Gene: C6 (complement C6; minus strand). Cytogenetic location: 5p13.1.
Variant type: single nucleotide variant.
Coding change: c.1595C>A on transcript NM_000065.5 (MANE Select); coding-DNA position 1595, C replaced by A.
Protein change: p.Pro532His; replaces proline 532 with histidine.
Molecular consequence: missense variant.
Genome position (GRCh38, 1-based): chr5:41,160,231, G>T on the plus strand (C>A on the coding strand, the complement: C6 is on the minus strand). VCF-style: chr5-41160231-G-T. GRCh37 (hg19) VCF-style: chr5-41160333-G-T.
Other names: c.1595C>A, p.Pro532His (NM_001115131.4); short protein forms P532H.
Identifiers: ClinVar variation 1395845 (VCV001395845.5), dbSNP rs148843643, ClinGen allele CA3252409.

ClinVar aggregate classification (germline): Uncertain significance (1 of 4 stars; one submission).

Allele frequency attached by ClinVar (database versions not stated): gnomAD exomes below 0.00001 and 0.00002; gnomAD 0.00001 and 0.00002; ExAC 0.00002; ESP Exome Variant Server 0.00015.
gnomAD v4.1: 9 of 1,613,726 alleles (0.00056%); highest among the groups gnomAD compares: African/African-American, 0.0053%; no homozygotes.

Submission:

Labcorp Genetics (formerly Invitae), Labcorp
Classification: Uncertain significance. Last evaluated: 2021-08-20. Review status: criteria provided, single submitter. Criteria: Invitae Variant Classification Sherloc (09022015). Collection method: clinical testing. Allele origin: germline.
Comment: This sequence change replaces proline with histidine at codon 532 of the C6 protein (p.Pro532His). The proline residue is moderately conserved and there is a moderate physicochemical difference between proline and histidine. This variant is present in population databases (rs148843643, ExAC 0.02%). This variant has not been reported in the literature in individuals affected with C6-related conditions. Algorithms developed to predict the effect of missense changes on protein structure and function are either unavailable or do not agree on the potential impact of this missense change (SIFT: "Deleterious"; PolyPhen-2: "Probably Damaging"; Align-GVGD: "Class C0"). In summary, the available evidence is currently insufficient to determine the role of this variant in disease. Therefore, it has been classified as a Variant of Uncertain Significance.